The following is an entry in ClinVar:

NM_031229.4(RBCK1):c.992C>G (p.Ser331Trp)

Gene: RBCK1 (RANBP2-type and C3HC4-type zinc finger containing 1; plus strand). Cytogenetic location: 20p13.
Variant type: single nucleotide variant.
Coding change: c.992C>G on transcript NM_031229.4 (MANE Select); coding-DNA position 992, C replaced by G.
Protein change: p.Ser331Trp; replaces serine 331 with tryptophan.
Molecular consequence: missense variant. On other transcripts: non-coding transcript variant (1).
Genome position (GRCh38, 1-based): chr20:422,201, C>G. VCF-style: chr20-422201-C-G. GRCh37 (hg19) VCF-style: chr20-402845-C-G.
Other names: c.482C>G, p.Ser161Trp (NM_001323956.2, NM_001323958.2); c.866C>G, p.Ser289Trp (NM_006462.6); short protein forms S289W, S161W, S331W.
Identifiers: ClinVar variation 1408149 (VCV001408149.6), dbSNP rs781592121, ClinGen allele CA407930972.

ClinVar aggregate classification (germline): Uncertain significance (1 of 4 stars; one submission).

Conditions:
Polyglucosan body myopathy type 1 (PGBM1). Also called: Polyglucosan body myopathy 1 with or without immunodeficiency; POLYGLUCOSAN BODY MYOPATHY WITHOUT IMMUNODEFICIENCY. Identifiers: Orphanet 329173, Orphanet 397937, MedGen C4014605, MONDO:0014389, OMIM 615895.

Submission:

Labcorp Genetics (formerly Invitae), Labcorp
Classification: Uncertain significance for Polyglucosan body myopathy type 1. Last evaluated: 2021-10-05. Review status: criteria provided, single submitter. Criteria: Invitae Variant Classification Sherloc (09022015). Collection method: clinical testing. Allele origin: germline.
Comment: In summary, the available evidence is currently insufficient to determine the role of this variant in disease. Therefore, it has been classified as a Variant of Uncertain Significance. Algorithms developed to predict the effect of missense changes on protein structure and function are either unavailable or do not agree on the potential impact of this missense change (SIFT: "Not Available"; PolyPhen-2: "Possibly Damaging"; Align-GVGD: "Not Available"). This variant has not been reported in the literature in individuals affected with RBCK1-related conditions. This variant is not present in population databases (ExAC no frequency). This sequence change replaces serine with tryptophan at codon 331 of the RBCK1 protein (p.Ser331Trp). The serine residue is highly conserved and there is a large physicochemical difference between serine and tryptophan.